The following is an entry in ClinVar:

ClinVar aggregate classification (germline): Uncertain significance (1 of 4 stars; one submission).

Submission:

Labcorp Genetics (formerly Invitae), Labcorp
Classification: Uncertain significance. Last evaluated: 2022-02-22. Review status: criteria provided, single submitter. Criteria: Invitae Variant Classification Sherloc (09022015). Collection method: clinical testing. Allele origin: germline.
Comment: This sequence change falls in intron 11 of the NCKAP1L gene. It does not directly change the encoded amino acid sequence of the NCKAP1L protein. This variant is not present in population databases (gnomAD no frequency). This variant has not been reported in the literature in individuals affected with NCKAP1L-related conditions. Algorithms developed to predict the effect of sequence changes on RNA splicing suggest that this variant may create or strengthen a splice site. In summary, the available evidence is currently insufficient to determine the role of this variant in disease. Therefore, it has been classified as a Variant of Uncertain Significance.

NM_005337.5(NCKAP1L):c.1095+19G>T

Gene: NCKAP1L (NCK associated protein 1 like; plus strand). Cytogenetic location: 12q13.2.
Variant type: single nucleotide variant.
Coding change: c.1095+19G>T on transcript NM_005337.5 (MANE Select); 19 bases into the intron after coding-DNA position 1095, G replaced by T.
Molecular consequence: intron variant.
Genome position (GRCh38, 1-based): chr12:54,517,011, G>T. VCF-style: chr12-54517011-G-T. GRCh37 (hg19) VCF-style: chr12-54910795-G-T.
Other names: c.945+19G>T (NM_001184976.2).
Identifiers: ClinVar variation 2101659 (VCV002101659.4), dbSNP rs758910195, ClinGen allele CA237459306.